The following is an entry in ClinVar:

NM_001130004.2(ACTN1):c.980A>G (p.Lys327Arg)

Gene: ACTN1 (actinin alpha 1; minus strand). Cytogenetic location: 14q24.1.
Variant type: single nucleotide variant.
Coding change: c.980A>G on transcript NM_001130004.2 (MANE Select); coding-DNA position 980, A replaced by G.
Protein change: p.Lys327Arg; replaces lysine 327 with arginine.
Molecular consequence: missense variant.
Genome position (GRCh38, 1-based): chr14:68,892,159, T>C on the plus strand (A>G on the coding strand, the complement: ACTN1 is on the minus strand). VCF-style: chr14-68892159-T-C. GRCh37 (hg19) VCF-style: chr14-69358876-T-C.
Other names: c.980A>G, p.Lys327Arg (NM_001102.4, NM_001130005.2, NM_001411035.1 and 9 more transcripts); c.785A>G, p.Lys262Arg (NM_001411036.1, NM_001424026.1, NM_001424028.1); c.1106A>G, p.Lys369Arg (NM_001424013.1); c.1067A>G, p.Lys356Arg (NM_001424015.1); c.977A>G, p.Lys326Arg (NM_001424017.1); c.917A>G, p.Lys306Arg (NM_001424018.1, NM_001424020.1, NM_001424022.1); c.911A>G, p.Lys304Arg (NM_001424021.1); c.155A>G, p.Lys52Arg (NM_001424030.1); short protein forms K356R, K52R, K262R, K306R, K326R, K327R, K304R, K369R.
Identifiers: ClinVar variation 4776340 (VCV004776340.1).

ClinVar aggregate classification (germline): Uncertain significance (1 of 4 stars; one submission).

gnomAD v4.1: 22 of 1,614,120 alleles (0.0014%); highest among the groups gnomAD compares: Non-Finnish European, 0.0019%; no homozygotes.

Submission:

Labcorp Genetics (formerly Invitae), Labcorp
Classification: Uncertain significance. Last evaluated: 2025-07-03. Review status: criteria provided, single submitter. Criteria: Invitae Variant Classification Sherloc (09022015). Collection method: clinical testing. Allele origin: germline.
Comment: This sequence change replaces lysine, which is basic and polar, with arginine, which is basic and polar, at codon 327 of the ACTN1 protein (p.Lys327Arg). This variant is present in population databases (rs749059853, gnomAD 0.002%). This variant has not been reported in the literature in individuals affected with ACTN1-related conditions. Invitae Evidence Modeling of protein sequence and biophysical properties (such as structural, functional, and spatial information, amino acid conservation, physicochemical variation, residue mobility, and thermodynamic stability) indicates that this missense variant is not expected to disrupt ACTN1 protein function with a negative predictive value of 80%. In summary, the available evidence is currently insufficient to determine the role of this variant in disease. Therefore, it has been classified as a Variant of Uncertain Significance.